The following is an entry in ClinVar:

NM_000222.3(KIT):c.2142-3C>T

Gene: KIT (KIT proto-oncogene, receptor tyrosine kinase; plus strand). Cytogenetic location: 4q12.
Variant type: single nucleotide variant.
Coding change: c.2142-3C>T on transcript NM_000222.3 (MANE Select); 3 bases into the intron before coding-DNA position 2142, C replaced by T.
Molecular consequence: intron variant.
Genome position (GRCh38, 1-based): chr4:54,731,325, C>T. VCF-style: chr4-54731325-C-T. GRCh37 (hg19) VCF-style: chr4-55597491-C-T.
Other names: c.2145-3C>T (NM_001385284.1); c.2145-6C>T (NM_001385290.1); c.2133-3C>T (NM_001385288.1); c.2133-6C>T (NM_001385292.1); c.2142-6C>T (NM_001385285.1); c.2130-3C>T (NM_001093772.2); c.2130-6C>T (NM_001385286.1).
Identifiers: ClinVar variation 2089173 (VCV002089173.4), dbSNP rs1722581397, ClinGen allele CA2580071192.
Genomic context (GRCh38, chr4:54,731,325, plus strand): 5'-ACCCATGAGTGCCCTTCTACATGTCCCACTTGATTCAGTCATGACTTGTTTCATCTCTCC[C>T]AGCAGCGATAGTACTAATGAGTACATGGACATGAAACCTGGAGTTTCTTATGTTGTCCCA-3'

ClinVar aggregate classification (germline): Uncertain significance (1 of 4 stars; one submission).

Conditions:
Gastrointestinal stromal tumor. Also called: Gastrointestinal stroma tumor; Gastrointestinal stromal tumor, somatic. Identifiers: Orphanet 44890, MedGen C0238198, MeSH D046152, MONDO:0011719, OMIM 606764, HP:0100723.

Submission:

Labcorp Genetics (formerly Invitae), Labcorp
Classification: Uncertain significance for Gastrointestinal stromal tumor. Last evaluated: 2024-11-15. Review status: criteria provided, single submitter. Criteria: Invitae Variant Classification Sherloc (09022015). Collection method: clinical testing. Allele origin: germline.
Comment: This sequence change falls in intron 14 of the KIT gene. It does not directly change the encoded amino acid sequence of the KIT protein. It affects a nucleotide within the consensus splice site. This variant is not present in population databases (gnomAD no frequency). This variant has not been reported in the literature in individuals affected with KIT-related conditions. ClinVar contains an entry for this variant (Variation ID: 2089173). Variants that disrupt the consensus splice site are a relatively common cause of aberrant splicing (PMID: 17576681, 9536098). Algorithms developed to predict the effect of sequence changes on RNA splicing suggest that this variant is not likely to affect RNA splicing. In summary, the available evidence is currently insufficient to determine the role of this variant in disease. Therefore, it has been classified as a Variant of Uncertain Significance.

Literature cited by the submitters: PubMed 17576681; PubMed 9536098.